The following is an entry in ClinVar:

NM_024426.6(WT1):c.785G>A (p.Gly262Asp)

Gene: WT1 (WT1 transcription factor; minus strand). Cytogenetic location: 11p13.
Variant type: single nucleotide variant.
Coding change: c.785G>A on transcript NM_024426.6 (MANE Select); coding-DNA position 785, G replaced by A.
Protein change: p.Gly262Asp; replaces glycine 262 with aspartic acid.
Molecular consequence: missense variant. On other transcripts: non-coding transcript variant (1).
Genome position (GRCh38, 1-based): chr11:32,428,058, C>T on the plus strand (G>A on the coding strand, the complement: WT1 is on the minus strand). VCF-style: chr11-32428058-C-T. GRCh37 (hg19) VCF-style: chr11-32449604-C-T.
Other names: c.785G>A, p.Gly262Asp (NM_000378.6, NM_001407044.1, NM_001407045.1 and 4 more transcripts); c.134G>A, p.Gly45Asp (NM_001198551.2, NM_001198552.2); c.662G>A, p.Gly221Asp (NM_001407047.1, NM_001407050.1); c.23G>A, p.Gly8Asp (NM_001407051.1); c.770G>A, p.Gly257Asp (NM_024425.2); short protein forms G45D, G262D, G221D, G8D.
Identifiers: ClinVar variation 406688 (VCV000406688.24), dbSNP rs372225738, ClinGen allele CA065639.

ClinVar aggregate classification (germline): Conflicting classifications of pathogenicity. Review status: criteria provided, conflicting classifications (1 of 4 stars). 9 submissions from 7 submitters: Uncertain significance (3); Benign (1); Likely benign (4). 1 of the submissions does not count toward it. Last evaluated 2026-01-24.

Conditions:
Hereditary cancer-predisposing syndrome. Also called: Hereditary Cancer Syndrome; Hereditary neoplastic syndrome; Neoplastic Syndromes, Hereditary; Tumor predisposition. Identifiers: Orphanet 140162, MedGen C0027672, MeSH D009386, MONDO:0015356.
Inborn genetic diseases. Identifiers: MedGen C0950123, MeSH D030342.
Meacham syndrome. Also called: Meacham Winn Culler syndrome. Identifiers: Orphanet 3097, MedGen C1837026, MONDO:0012164, OMIM 608978.
Nephrotic syndrome, type 4 (NPHS4). Also called: Familial mesangial sclerosis; Nephrotic syndrome, early onset with diffuse mesangial sclerosis. Identifiers: Orphanet 656, MedGen C3151568, MONDO:0009733, OMIM 256370.
WT1-related disorder. Also called: WT1-related disorders. Identifiers: MedGen CN377814.
Wilms tumor 1 (WT1). Also called: Wilms tumor, somatic. Identifiers: Orphanet 654, MedGen CN033288, MONDO:0008679, OMIM 194070.
Frasier syndrome. Identifiers: Orphanet 347, MedGen C0950122, MeSH D052159, MONDO:0007635, OMIM 136680.
Drash syndrome (DDS). Also called: NEPHROPATHY, WILMS TUMOR, AND GENITAL ANOMALIES; WILMS TUMOR AND PSEUDO- OR TRUE HERMAPHRODITISM. Identifiers: Orphanet 220, MedGen C0950121, MONDO:0008682, OMIM 194080.
11p partial monosomy syndrome (WAGR). Also called: CHROMOSOME 11p13 DELETION SYNDROME; WAGR syndrome; WAGR Complex; WAGR Spectrum Disorder. Identifiers: Orphanet 893, MedGen C0206115, MONDO:0008681, OMIM 194072.

Allele frequency attached by ClinVar (database versions not stated): gnomAD 0.00005 and 0.00006; gnomAD exomes 0.00005 and 0.00013; ExAC 0.00007; ESP Exome Variant Server 0.00008; TOPMed 0.00011.
gnomAD v4.1: 93 of 1,598,780 alleles (0.0058%); highest among the groups gnomAD compares: Admixed American, 0.027%; no homozygotes.

Submissions (9):

Labcorp Genetics (formerly Invitae), Labcorp
Classification: Benign for Wilms tumor 1; Drash syndrome; 11p partial monosomy syndrome; Frasier syndrome. Last evaluated: 2026-01-24. Review status: criteria provided, single submitter. Criteria: Invitae Variant Classification Sherloc (09022015). Collection method: clinical testing. Allele origin: germline.

GeneDx
Classification: Uncertain significance. Last evaluated: 2024-12-11. Review status: criteria provided, single submitter. Criteria: GeneDx Variant Classification Process June 2021. Collection method: clinical testing. Allele origin: germline. Affected: yes.
Comment: In silico analysis supports that this missense variant has a deleterious effect on protein structure/function; Has not been previously published as pathogenic or benign to our knowledge; This variant is associated with the following publications: (PMID: 28787462, 8486616)

Ambry Genetics
Classification: Likely benign for Inborn genetic diseases. Last evaluated: 2024-08-21. Review status: criteria provided, single submitter. Criteria: Ambry Variant Classification Scheme 2023. Collection method: clinical testing. Allele origin: germline.

Color Diagnostics, LLC DBA Color Health
Classification: Likely benign for Wilms tumor 1. Last evaluated: 2022-12-19. Review status: criteria provided, single submitter. Criteria: ACMG Guidelines, 2015. Collection method: clinical testing. Allele origin: germline.

Sema4
Classification: Likely benign for Hereditary cancer-predisposing syndrome. Last evaluated: 2021-08-30. Review status: criteria provided, single submitter. Criteria: Sema4 Curation Guidelines. Collection method: curation. Allele origin: germline.

Illumina Laboratory Services, Illumina
Classification: Likely benign for Meacham syndrome. Last evaluated: 2018-01-13. Review status: criteria provided, single submitter. Criteria: ICSL Variant Classification Criteria 13 December 2019. Collection method: clinical testing. Allele origin: germline.
Comment: This variant was observed in the ICSL laboratory as part of a predisposition screen in an ostensibly healthy population. It had not been previously curated by ICSL or reported in the Human Gene Mutation Database (HGMD: prior to June 1st, 2018), and was therefore a candidate for classification through an automated scoring system. Utilizing variant allele frequency, disease prevalence and penetrance estimates, and inheritance mode, an automated score was calculated to assess if this variant is too frequent to cause the disease. Based on the score and internal cut-off values, a variant classified as likely benign is not then subjected to further curation. The score for this variant resulted in a classification of likely benign for this disease.

Illumina Laboratory Services, Illumina
Classification: Uncertain significance for Nephrotic syndrome, type 4. Last evaluated: 2018-01-13. Review status: criteria provided, single submitter. Criteria: ICSL Variant Classification Criteria 13 December 2019. Collection method: clinical testing. Allele origin: germline.

Illumina Laboratory Services, Illumina
Classification: Uncertain significance for Wilms tumor 1. Last evaluated: 2018-01-13. Review status: criteria provided, single submitter. Criteria: ICSL Variant Classification Criteria 13 December 2019. Collection method: clinical testing. Allele origin: germline.

PreventionGenetics, part of Exact Sciences
Classification: Likely benign for WT1-related condition. Last evaluated: 2023-01-19. Review status: no assertion criteria provided. Collection method: clinical testing. Allele origin: germline. Not counted in ClinVar's aggregate classification.
Comment: This variant is classified as likely benign based on ACMG/AMP sequence variant interpretation guidelines (Richards et al. 2015 PMID: 25741868, with internal and published modifications).